The following is an entry in ClinVar:

ClinVar aggregate classification (germline): Uncertain significance (1 of 4 stars; one submission).

Conditions:
Deficiency of adenosine deaminase 2. Also called: Polyarteritis nodosa, childhoood-onset; Adenosine Deaminase 2 Deficiency; VASCULITIS, AUTOINFLAMMATION, IMMUNODEFICIENCY, AND HEMATOLOGIC DEFECTS SYNDROME. Identifiers: Orphanet 404553, MedGen C3887654, MONDO:0014306, OMIM 615688, MONDO:0100317.

Submission:

Neuberg Centre For Genomic Medicine, NCGM
Classification: Uncertain significance for Deficiency of adenosine deaminase 2. Review status: criteria provided, single submitter. Criteria: ACMG Guidelines, 2015. Collection method: clinical testing. Allele origin: germline. Inheritance: Autosomal recessive inheritance. Affected: yes.
Comment: The observed missense variant c.404A>C(p.His135Pro)in ADA2 gene has not been reported previously as a pathogenic variant nor as a benign variant, to our knowledge. This variant is absent in gnomAD Exomes.The amino acid His at position 135 is changed to a Pro changing protein sequence and it might alter its composition and physico-chemical properties. Multiple lines of computational evidence (Polyphen-possibly damaging, SIFT-damaging and Mutation Taster-disease causing) predict a damaging effect on protein structure and function for this variant. The reference amino acid p.His135Pro in ADA2 is predicted as conserved by GERP++ and PhyloP across 100 vertebrates. For these reasons, this variant has been classified as Uncertain Significance.

NM_001282225.2(ADA2):c.404A>C (p.His135Pro)

Gene: ADA2 (adenosine deaminase 2; minus strand). Cytogenetic location: 22q11.1.
Variant type: single nucleotide variant.
Coding change: c.404A>C on transcript NM_001282225.2 (MANE Select); coding-DNA position 404, A replaced by C.
Protein change: p.His135Pro; replaces histidine 135 with proline.
Molecular consequence: missense variant.
Genome position (GRCh38, 1-based): chr22:17,207,209, T>G on the plus strand (A>C on the coding strand, the complement: ADA2 is on the minus strand). VCF-style: chr22-17207209-T-G. GRCh37 (hg19) VCF-style: chr22-17688099-T-G.
Other names: c.404A>C, p.His135Pro (NM_001282226.2); c.278A>C, p.His93Pro (NM_001282227.2, NM_001282228.2); c.44A>C, p.His15Pro (NM_001282229.2); short protein forms H135P, H15P, H93P.
Identifiers: ClinVar variation 3731419 (VCV003731419.1).